The following is an entry in ClinVar:

ClinVar aggregate classification (germline): Conflicting classifications of pathogenicity. Review status: criteria provided, conflicting classifications (1 of 4 stars). 6 submissions from 6 submitters: Uncertain significance (1); Benign (1); Likely benign (4). Last evaluated 2026-05-01.

Conditions:
Exostoses, multiple, type 2 (EXT2). Also called: EXOSTOSES, MULTIPLE, TYPE II; Hereditary Multiple Osteochondromatosis, Type II. Identifiers: Orphanet 321, MedGen C1851413, MONDO:0007586, OMIM 133701.

Allele frequency attached by ClinVar (database versions not stated): ESP Exome Variant Server 0.00015; TOPMed 0.00032; ExAC 0.00048; gnomAD exomes 0.00063; gnomAD 0.00072 and 0.00076.
gnomAD v4.1: 641 of 1,614,038 alleles (0.04%); highest among the groups gnomAD compares: Non-Finnish European, 0.027%; 3 homozygotes.

Submissions (6):

CeGaT Center for Human Genetics Tuebingen
Classification: Likely benign. Last evaluated: 2026-05-01. Review status: criteria provided, single submitter. Criteria: CeGaT Center For Human Genetics Tuebingen Variant Classification Criteria Version 2. Collection method: clinical testing. Allele origin: germline. Affected: yes. Observed: 2 variant alleles.
Comment: EXT2: BS2

Labcorp Genetics (formerly Invitae), Labcorp
Classification: Likely benign for Exostoses, multiple, type 2. Last evaluated: 2026-01-26. Review status: criteria provided, single submitter. Criteria: Invitae Variant Classification Sherloc (09022015). Collection method: clinical testing. Allele origin: germline.

Laboratory of Genetics, Children's Clinical University Hospital Latvia
Classification: Likely benign. Last evaluated: 2025-02-16. Review status: criteria provided, single submitter. Criteria: ACMG Guidelines, 2015. Collection method: clinical testing. Allele origin: germline. Affected: yes.

Blueprint Genetics
Classification: Likely benign. Last evaluated: 2024-11-21. Review status: criteria provided, single submitter. Criteria: ACMG Guidelines, 2015. Collection method: clinical testing. Allele origin: germline.

Institute for Clinical Genetics, University Hospital TU Dresden, University Hospital TU Dresden
Classification: Uncertain significance. Last evaluated: 2021-11-03. Review status: criteria provided, single submitter. Criteria: ACMG Guidelines, 2015. Collection method: clinical testing. Allele origin: germline.

Illumina Laboratory Services, Illumina
Classification: Benign for Exostoses, multiple, type 2. Last evaluated: 2018-01-12. Review status: criteria provided, single submitter. Criteria: ICSL Variant Classification Criteria 13 December 2019. Collection method: clinical testing. Allele origin: germline.
Comment: This variant was observed in the ICSL laboratory as part of a predisposition screen in an ostensibly healthy population. It had not been previously curated by ICSL or reported in the Human Gene Mutation Database (HGMD: prior to June 1st, 2018), and was therefore a candidate for classification through an automated scoring system. Utilizing variant allele frequency, disease prevalence and penetrance estimates, and inheritance mode, an automated score was calculated to assess if this variant is too frequent to cause the disease. Based on the score and internal cut-off values, a variant classified as benign is not then subjected to further curation. The score for this variant resulted in a classification of benign for this disease.

NM_207122.2(EXT2):c.965G>A (p.Arg322His)

Gene: EXT2 (exostosin glycosyltransferase 2; plus strand). Cytogenetic location: 11p11.2.
Variant type: single nucleotide variant.
Coding change: c.965G>A on transcript NM_207122.2 (MANE Select); coding-DNA position 965, G replaced by A.
Protein change: p.Arg322His; replaces arginine 322 with histidine.
Molecular consequence: missense variant.
Genome position (GRCh38, 1-based): chr11:44,126,841, G>A. VCF-style: chr11-44126841-G-A. GRCh37 (hg19) VCF-style: chr11-44148391-G-A.
Other names: c.1064G>A, p.Arg355His (NM_000401.3); c.965G>A, p.Arg322His (NM_001178083.3, NM_001389628.1, NM_001389630.1); c.965G>A (NM_001178083.1); short protein forms R355H, R322H.
Identifiers: ClinVar variation 304583 (VCV000304583.28), dbSNP rs149727518, ClinGen allele CA5955063.